The following is an entry in ClinVar:

NM_032737.4(LMNB2):c.1030G>A (p.Gly344Arg)

Gene: LMNB2 (lamin B2; minus strand). Cytogenetic location: 19p13.3.
Variant type: single nucleotide variant.
Coding change: c.1030G>A on transcript NM_032737.4 (MANE Select); coding-DNA position 1030, G replaced by A.
Protein change: p.Gly344Arg; replaces glycine 344 with arginine.
Molecular consequence: missense variant.
Genome position (GRCh38, 1-based): chr19:2,434,467, C>T on the plus strand (G>A on the coding strand, the complement: LMNB2 is on the minus strand). VCF-style: chr19-2434467-C-T. GRCh37 (hg19) VCF-style: chr19-2434465-C-T.
Other names: short protein forms G344R.
Identifiers: ClinVar variation 652804 (VCV000652804.11), dbSNP rs567492725, ClinGen allele CA9067619.
Genomic context (GRCh38, chr19:2,434,467, plus strand): 5'-GCATCTCCGTCATCTCCTGCTCCTTGGCGTCCAGCATCTTCCGGAACTTGTCCCGCTCCC[C>T]GGCCATGGCCTCCTCCAGCTCCCGAATGCGATCTTCAGCGGCACTGGCCTGCGGAGGGGG-3'
Protein context (NP_116126.3, residues 334-354): RIRELEEAMA[Gly344Arg]ERDKFRKMLD

ClinVar aggregate classification (germline): Uncertain significance (1 of 4 stars; one submission).

Conditions:
Lipodystrophy, partial, acquired, susceptibility to (APLD). Also called: APLD, SUSCEPTIBILITY TO. Identifiers: MedGen C3887501, MONDO:0100476, OMIM 608709.
Progressive myoclonic epilepsy type 9. Identifiers: Orphanet 457265, MedGen C4225289, MONDO:0014685, OMIM 616540.

Allele frequency attached by ClinVar (database versions not stated): gnomAD 0.00001; ExAC 0.00004; gnomAD exomes 0.00004; 1000 Genomes Project 30x 0.00031; 1000 Genomes Project 0.00040.

Submission:

Labcorp Genetics (formerly Invitae), Labcorp
Classification: Uncertain significance for Progressive myoclonic epilepsy type 9; Lipodystrophy, partial, acquired, susceptibility to. Last evaluated: 2021-03-31. Review status: criteria provided, single submitter. Criteria: Invitae Variant Classification Sherloc (09022015). Collection method: clinical testing. Allele origin: germline.
Comment: In summary, the available evidence is currently insufficient to determine the role of this variant in disease. Therefore, it has been classified as a Variant of Uncertain Significance. Algorithms developed to predict the effect of missense changes on protein structure and function are either unavailable or do not agree on the potential impact of this missense change (SIFT: "Deleterious"; PolyPhen-2: "Probably Damaging"; Align-GVGD: "Class C15"). This variant has not been reported in the literature in individuals with LMNB2-related conditions. This variant is present in population databases (rs567492725, ExAC 0.03%). This sequence change replaces glycine with arginine at codon 344 of the LMNB2 protein (p.Gly344Arg). The glycine residue is highly conserved and there is a moderate physicochemical difference between glycine and arginine.